The following is an entry in ClinVar:

ClinVar aggregate classification (germline): Uncertain significance. Review status: criteria provided, multiple submitters, no conflicts (2 of 4 stars). 4 submissions from 4 submitters: Uncertain significance (4). Last evaluated 2025-09-02.

Conditions:
Frontotemporal dementia and/or amyotrophic lateral sclerosis 6 (FTDALS6). Also called: VCP-Related Amyotrophic Lateral Sclerosis/Frontotemporal Dementia; VCP-Related Amyotrophic Lateral Sclerosis. Identifiers: Orphanet 275872, Orphanet 803, MedGen C5436279, MONDO:0013501, OMIM 613954.
Inclusion body myopathy with Paget disease of bone and frontotemporal dementia. Also called: Inclusion body myopathy with early-onset Paget disease and frontotemporal dementia. Identifiers: Orphanet 52430, MedGen C1833662, MONDO:0000507.
VCP-related disorder. Also called: VCP-related condition; VCP-related disorders.
Inborn genetic diseases. Identifiers: MedGen C0950123, MeSH D030342.

Submissions (4):

PreventionGenetics, part of Exact Sciences
Classification: Uncertain significance for VCP-related condition. Last evaluated: 2025-09-02. Review status: criteria provided, single submitter. Criteria: ACMG Guidelines, 2015. Collection method: clinical testing. Allele origin: germline.
Comment: The VCP c.1160A>G variant is predicted to result in the amino acid substitution p.Asn387Ser. This variant was reported in an individual with scapuloperoneal muscular dystrophy and dropped head fibers (Liewluck et al. 2014. PubMed ID: 24838343). This variant has not been reported in a large population database (gnomAD), indicating this variant is rare. Of note, different missense variants affecting the asparagine 387 residue have reported in individuals with ALS (p.Asn387Thr, Abramzon et al. 2012. PubMed ID: 22572540), and inclusion body myopathy with Paget disease and frontotemporal dementia (p.Asn387His, Watts et al. 2007. PubMed ID: 17935506). At this time, the clinical significance of the c.1160A>G (p.Asn387Ser) variant is uncertain due to the absence of conclusive functional and genetic evidence.

GeneDx
Classification: Uncertain significance. Last evaluated: 2025-04-30. Review status: criteria provided, single submitter. Criteria: GeneDx Variant Classification Process June 2021. Collection method: clinical testing. Allele origin: germline. Affected: yes.
Comment: Observed in a patient with scapuloperoneal weakness and myopathy without cognitive decline or Paget disease in published literature (PMID: 24838343); In silico analysis supports that this missense variant has a deleterious effect on protein structure/function; Not observed at significant frequency in large population cohorts (gnomAD); This variant is associated with the following publications: (PMID: 35741724, 24838343, 23333620)

Labcorp Genetics (formerly Invitae), Labcorp
Classification: Uncertain significance for Inclusion body myopathy with Paget disease of bone and frontotemporal dementia; Frontotemporal dementia and/or amyotrophic lateral sclerosis 6. Last evaluated: 2024-02-20. Review status: criteria provided, single submitter. Criteria: Invitae Variant Classification Sherloc (09022015). Collection method: clinical testing. Allele origin: germline.
Comment: This sequence change replaces asparagine, which is neutral and polar, with serine, which is neutral and polar, at codon 387 of the VCP protein (p.Asn387Ser). This variant is not present in population databases (gnomAD no frequency). This missense change has been observed in individual(s) with VCP-related conditions (PMID: 24838343). ClinVar contains an entry for this variant (Variation ID: 1736555). Advanced modeling of protein sequence and biophysical properties (such as structural, functional, and spatial information, amino acid conservation, physicochemical variation, residue mobility, and thermodynamic stability) performed at Invitae indicates that this missense variant is not expected to disrupt VCP protein function with a negative predictive value of 80%. This variant disrupts the p.Asn387 amino acid residue in VCP. Other variant(s) that disrupt this residue have been observed in individuals with VCP-related conditions (PMID: 17935506), which suggests that this may be a clinically significant amino acid residue. In summary, the available evidence is currently insufficient to determine the role of this variant in disease. Therefore, it has been classified as a Variant of Uncertain Significance.

Ambry Genetics
Classification: Uncertain significance for Inborn genetic diseases. Last evaluated: 2019-12-03. Review status: criteria provided, single submitter. Criteria: Ambry Variant Classification Scheme 2023. Collection method: clinical testing. Allele origin: germline.
Comment: The p.N387S variant (also known as c.1160A>G), located in coding exon 10 of the VCP gene, results from an A to G substitution at nucleotide position 1160. The asparagine at codon 387 is replaced by serine, an amino acid with highly similar properties. The p.N387S variant has been reported in an individual with progressive asymmetrical scapuloperoneal weakness, head drop, abnormal electrodiagnostic testing and findings on muscle biopsy that were atypical from what is characteristically seen with inclusion body myopathy with early-onset Paget disease and frontotemporal dementia (IBMPFD) (Liewluck T et al. Muscle Nerve, 2014 Aug;50:295-9). This amino acid position is highly conserved in available vertebrate species. In addition, this alteration is predicted to be tolerated by in silico analysis. Since supporting evidence is limited at this time, the clinical significance of this alteration remains unclear.

Literature cited by the submitters: PubMed 24838343 (cited by Labcorp Genetics (formerly Invitae), Labcorp and Ambry Genetics); PubMed 17935506 (cited by Labcorp Genetics (formerly Invitae), Labcorp).

NM_007126.5(VCP):c.1160A>G (p.Asn387Ser)

Gene: VCP (valosin containing protein; minus strand). Cytogenetic location: 9p13.3.
Variant type: single nucleotide variant.
Coding change: c.1160A>G on transcript NM_007126.5 (MANE Select); coding-DNA position 1160, A replaced by G.
Protein change: p.Asn387Ser; replaces asparagine 387 with serine.
Molecular consequence: missense variant.
Genome position (GRCh38, 1-based): chr9:35,061,611, T>C on the plus strand (A>G on the coding strand, the complement: VCP is on the minus strand). VCF-style: chr9-35061611-T-C. GRCh37 (hg19) VCF-style: chr9-35061608-T-C.
Other names: c.1025A>G, p.Asn342Ser (NM_001354927.2, NM_001354928.2); short protein forms N342S, N387S.
Identifiers: ClinVar variation 1736555 (VCV001736555.8), dbSNP rs1410177803, ClinGen allele CA373283057.
Genomic context (GRCh38, chr9:35,061,611, plus strand): 5'-CTGGTCAGCCATCATCATCACTTCACCTGTTCCAGGTCCACATCATCTGCCAGCTTCATG[T>C]TCTTGGTATGGATCTGAAGAATCTCTAAGCGTCCTGTAGCATCAGGAATTCCAATATCTA-3'
Protein context (NP_009057.1, residues 377-397): RLEILQIHTK[Asn387Ser]MKLADDVDLE